The following is an entry in ClinVar:

ClinVar aggregate classification (germline): Likely benign (1 of 4 stars; one submission).

Allele frequency attached by ClinVar (database versions not stated): 1000 Genomes Project 30x 0.00094; 1000 Genomes Project 0.00100; ExAC 0.00102; gnomAD 0.00122; TOPMed 0.00127; ESP Exome Variant Server 0.00154; gnomAD exomes 0.00187.
gnomAD v4.1: 2,899 of 1,614,238 alleles (0.18%); highest among the groups gnomAD compares: Non-Finnish European, 0.23%; 1 homozygote.

Submission:

CeGaT Center for Human Genetics Tuebingen
Classification: Likely benign. Last evaluated: 2023-01-01. Review status: criteria provided, single submitter. Criteria: CeGaT Center For Human Genetics Tuebingen Variant Classification Criteria Version 2. Collection method: clinical testing. Allele origin: germline. Affected: yes. Observed: 1 variant allele.
Comment: BNC1: BP4

NM_001717.4(BNC1):c.1043A>G (p.Asn348Ser)

Gene: BNC1 (basonuclin zinc finger protein 1; minus strand). Cytogenetic location: 15q25.2.
Variant type: single nucleotide variant.
Coding change: c.1043A>G on transcript NM_001717.4 (MANE Select); coding-DNA position 1043, A replaced by G.
Protein change: p.Asn348Ser; replaces asparagine 348 with serine.
Molecular consequence: missense variant.
Genome position (GRCh38, 1-based): chr15:83,264,208, T>C on the plus strand (A>G on the coding strand, the complement: BNC1 is on the minus strand). VCF-style: chr15-83264208-T-C. GRCh37 (hg19) VCF-style: chr15-83932960-T-C.
Other names: c.1022A>G, p.Asn341Ser (NM_001301206.2); short protein forms N341S, N348S.
Identifiers: ClinVar variation 2645644 (VCV002645644.24), dbSNP rs142462257, ClinGen allele CA7704037.